The following is an entry in ClinVar:

ClinVar aggregate classification (germline): Likely benign (1 of 4 stars; one submission).

Allele frequency attached by ClinVar (database versions not stated): TOPMed 0.00005; gnomAD 0.00012; 1000 Genomes Project 0.00040; ExAC 0.00048; 1000 Genomes Project 30x 0.00094.
gnomAD v4.1: 396 of 1,614,022 alleles (0.025%); highest among the groups gnomAD compares: South Asian, 0.39%; 5 homozygotes.

Submission:

CeGaT Center for Human Genetics Tuebingen
Classification: Likely benign. Last evaluated: 2022-09-01. Review status: criteria provided, single submitter. Criteria: CeGaT Center For Human Genetics Tuebingen Variant Classification Criteria Version 2. Collection method: clinical testing. Allele origin: germline. Affected: yes. Observed: 1 variant allele.
Comment: COL24A1: BP4, BP7

NM_152890.7(COL24A1):c.4155G>A (p.Leu1385=)

Gene: COL24A1 (collagen type XXIV alpha 1 chain; minus strand). Cytogenetic location: 1p22.3.
Variant type: single nucleotide variant.
Coding change: c.4155G>A on transcript NM_152890.7 (MANE Select); coding-DNA position 4155, G replaced by A.
Protein change: p.Leu1385=; no amino-acid change (leucine 1385 retained).
Molecular consequence: synonymous variant. On other transcripts: non-coding transcript variant (6).
Genome position (GRCh38, 1-based): chr1:85,784,271, C>T on the plus strand (G>A on the coding strand, the complement: COL24A1 is on the minus strand). VCF-style: chr1-85784271-C-T. GRCh37 (hg19) VCF-style: chr1-86249954-C-T.
Other names: c.2055G>A, p.Leu685= (NM_001349955.1).
Identifiers: ClinVar variation 2638907 (VCV002638907.24), dbSNP rs568711251, ClinGen allele CA931202.